The following is an entry in ClinVar:

NM_003705.5(SLC25A12):c.1973C>T (p.Pro658Leu)

Gene: SLC25A12 (solute carrier family 25 member 12; minus strand). Cytogenetic location: 2q31.1.
Variant type: single nucleotide variant.
Coding change: c.1973C>T on transcript NM_003705.5 (MANE Select); coding-DNA position 1973, C replaced by T.
Protein change: p.Pro658Leu; replaces proline 658 with leucine.
Molecular consequence: missense variant. On other transcripts: non-coding transcript variant (1).
Genome position (GRCh38, 1-based): chr2:171,785,338, G>A on the plus strand (C>T on the coding strand, the complement: SLC25A12 is on the minus strand). VCF-style: chr2-171785338-G-A. GRCh37 (hg19) VCF-style: chr2-172641848-G-A.
Other names: short protein forms P658L.
Identifiers: ClinVar variation 1051699 (VCV001051699.8), dbSNP rs754742634, ClinGen allele CA1965994.

ClinVar aggregate classification (germline): Uncertain significance (1 of 4 stars; one submission).

Allele frequency attached by ClinVar (database versions not stated): ExAC 0.00001; gnomAD exomes 0.00001; TOPMed 0.00001.

Submission:

Labcorp Genetics (formerly Invitae), Labcorp
Classification: Uncertain significance. Last evaluated: 2023-08-04. Review status: criteria provided, single submitter. Criteria: Invitae Variant Classification Sherloc (09022015). Collection method: clinical testing. Allele origin: germline.
Comment: This sequence change replaces proline, which is neutral and non-polar, with leucine, which is neutral and non-polar, at codon 658 of the SLC25A12 protein (p.Pro658Leu). This variant is present in population databases (rs754742634, gnomAD 0.006%). This variant has not been reported in the literature in individuals affected with SLC25A12-related conditions. ClinVar contains an entry for this variant (Variation ID: 1051699). An algorithm developed to predict the effect of missense changes on protein structure and function (PolyPhen-2) suggests that this variant is likely to be disruptive. In summary, the available evidence is currently insufficient to determine the role of this variant in disease. Therefore, it has been classified as a Variant of Uncertain Significance.